The following is an entry in ClinVar:

NM_014874.4(MFN2):c.2120G>C (p.Arg707Pro)

Gene: MFN2 (mitofusin 2; plus strand). Cytogenetic location: 1p36.22.
Variant type: single nucleotide variant.
Coding change: c.2120G>C on transcript NM_014874.4 (MANE Select); coding-DNA position 2120, G replaced by C.
Protein change: p.Arg707Pro; replaces arginine 707 with proline.
Molecular consequence: missense variant.
Genome position (GRCh38, 1-based): chr1:12,009,642, G>C. VCF-style: chr1-12009642-G-C. GRCh37 (hg19) VCF-style: chr1-12069699-G-C.
Other names: c.2120G>C, p.Arg707Pro (NM_001127660.2); short protein forms R707P.
Identifiers: ClinVar variation 637750 (VCV000637750.10), dbSNP rs375937289, ClinGen allele CA338453099.

ClinVar aggregate classification (germline): Likely pathogenic. Review status: criteria provided, single submitter (1 of 4 stars). 2 submissions from 2 submitters: Likely pathogenic (1). 1 of the submissions does not count toward it. Last evaluated 2019-10-21.

Conditions:
Charcot-Marie-Tooth disease. Also called: Charcot-Marie-Tooth Neuropathy; Charcot-Marie-Tooth Hereditary Neuropathy. Identifiers: Orphanet 166, MedGen C0007959, MONDO:0015626.
Charcot-Marie-Tooth disease type 2. Also called: Charcot-Marie-Tooth type 2. Identifiers: Orphanet 64746, MedGen C0270914, MONDO:0018993.

Submissions (2):

Labcorp Genetics (formerly Invitae), Labcorp
Classification: Likely pathogenic for Charcot-Marie-Tooth disease type 2. Last evaluated: 2019-10-21. Review status: criteria provided, single submitter. Criteria: Invitae Variant Classification Sherloc (09022015). Collection method: clinical testing. Allele origin: germline.
Comment: Algorithms developed to predict the effect of missense changes on protein structure and function are either unavailable or do not agree on the potential impact of this missense change (SIFT: "Tolerated"; PolyPhen-2: "Probably Damaging"; Align-GVGD: "Class C0"). This sequence change replaces arginine with proline at codon 707 of the MFN2 protein (p.Arg707Pro). The arginine residue is moderately conserved and there is a moderate physicochemical difference between arginine and proline. This variant is not present in population databases (ExAC no frequency). This variant has been observed in individual(s) with Charcot-Marie-Tooth disease (PMID: 22492563, 22926664). In at least one individual the variant was observed to be de novo. ClinVar contains an entry for this variant (Variation ID: 637750). This variant disrupts the p.Arg707 amino acid residue in MFN2. Other variant(s) that disrupt this residue have been determined to be pathogenic (PMID: 18458227, 20008656, 22492563, 24126688, 25025039, 26085578). This suggests that this residue is clinically significant, and that variants that disrupt this residue are likely to be disease-causing. In summary, the currently available evidence indicates that the variant is pathogenic, but additional data are needed to prove that conclusively. Therefore, this variant has been classified as Likely Pathogenic.

Inherited Neuropathy Consortium
Classification: Uncertain significance for Charcot-Marie-Tooth disease. Review status: no assertion criteria provided. Collection method: literature only. Allele origin: germline. Affected: yes. Not counted in ClinVar's aggregate classification.

Literature cited by the submitters: PubMed 22492563 (cited by Labcorp Genetics (formerly Invitae), Labcorp and Inherited Neuropathy Consortium); PubMed 22926664 (cited by Labcorp Genetics (formerly Invitae), Labcorp); PubMed 18458227 (cited by Labcorp Genetics (formerly Invitae), Labcorp); PubMed 20008656 (cited by Labcorp Genetics (formerly Invitae), Labcorp); PubMed 24126688 (cited by Labcorp Genetics (formerly Invitae), Labcorp); PubMed 25025039 (cited by Labcorp Genetics (formerly Invitae), Labcorp); PubMed 26085578 (cited by Labcorp Genetics (formerly Invitae), Labcorp).